The following is an entry in ClinVar:

NM_002863.5(PYGL):c.407dup (p.Leu137fs)

Gene: PYGL (glycogen phosphorylase L; minus strand). Cytogenetic location: 14q22.1.
Variant type: Duplication.
Coding change: c.407dup on transcript NM_002863.5 (MANE Select); coding-DNA position 407, one base duplicated (G; older notation c.407dupG).
Protein change: p.Leu137fs; shifts the reading frame from leucine 137.
Molecular consequence: frameshift variant.
Genome position (GRCh38, 1-based): chr14:50,935,124, C duplicated on the plus strand (G on the coding strand, the reverse complement: PYGL is on the minus strand); the first of 2 consecutive C bases (chr14:50,935,124-50,935,125); duplicating either gives the same sequence. VCF-style (leftmost placement, unchanged base first): chr14-50935123-A-AC. GRCh37 (hg19) VCF-style: chr14-51401841-A-AC.
Other names: c.305dup, p.Leu103fs (NM_001163940.2); short protein forms L103fs, L137fs.
Identifiers: ClinVar variation 2584825 (VCV002584825.1), dbSNP rs2503527725, ClinGen allele CA2582341752.

ClinVar aggregate classification (germline): Likely pathogenic (1 of 4 stars; one submission).

Conditions:
Glycogen storage disease, type VI (GSD6). Also called: Hepatic glycogen phosphorylase deficiency; Glycogen storage disease type 6; HERS DISEASE; PHOSPHORYLASE DEFICIENCY GLYCOGEN-STORAGE DISEASE OF LIVER; Glycogen storage disease type 6, due to phosphorylation; GSD VI. Identifiers: Orphanet 369, MedGen C0017925, MONDO:0009294, OMIM 232700.

Submission:

Neuberg Centre For Genomic Medicine, NCGM
Classification: Likely pathogenic for Glycogen storage disease, type VI. Review status: criteria provided, single submitter. Criteria: ACMG Guidelines, 2015. Collection method: clinical testing. Allele origin: germline. Inheritance: Autosomal recessive inheritance. Affected: yes.
Comment: The frameshift variant c.407dup (p.Leu137SerfsTer27) in PYGL gene has not been reported previously as a pathogenic variant nor as a benign variant, to our knowledge. The p.Leu137SerfsTer27 variant is novel (not in any individuals) in gnomAD Exomes and 1000 Genomes. This variant causes a frameshift starting with codon Leucine 137, changes this amino acid to Serine residue, and creates a premature Stop codon at position 27 of the new reading frame, denoted p.Leu137SerfsTer27. This variant is predicted to cause loss of normal protein function. Loss of function variants have been previously reported to be disease causing. For these reasons, this variant has been classified as Likely Pathogenic.